The following is an entry in ClinVar:

ClinVar aggregate classification (germline): Uncertain significance (1 of 4 stars; one submission).

Conditions:
DNAH9-related disorder. Also called: DNAH9-related condition.

gnomAD v4.1: 2 of 1,613,984 alleles (0.00012%); highest among the groups gnomAD compares: African/African-American, 0.0027%; no homozygotes.

Submission:

PreventionGenetics, part of Exact Sciences
Classification: Uncertain significance for DNAH9-related condition. Last evaluated: 2023-08-14. Review status: criteria provided, single submitter. Criteria: ACMG Guidelines, 2015. Collection method: clinical testing. Allele origin: germline.
Comment: The DNAH9 c.11161G>C variant is predicted to result in the amino acid substitution p.Glu3721Gln. To our knowledge, this variant has not been reported in the literature. This variant is reported in 0.0062% of alleles in individuals of African descent in gnomAD. At this time, the clinical significance of this variant is uncertain due to the absence of conclusive functional and genetic evidence.

NM_001372.4(DNAH9):c.11161G>C (p.Glu3721Gln)

Gene: DNAH9 (dynein axonemal heavy chain 9; plus strand). Cytogenetic location: 17p12.
Variant type: single nucleotide variant.
Coding change: c.11161G>C on transcript NM_001372.4 (MANE Select); coding-DNA position 11161, G replaced by C.
Protein change: p.Glu3721Gln; replaces glutamic acid 3721 with glutamine.
Molecular consequence: missense variant.
Genome position (GRCh38, 1-based): chr17:11,891,825, G>C. VCF-style: chr17-11891825-G-C. GRCh37 (hg19) VCF-style: chr17-11795142-G-C.
Other names: c.97G>C, p.Glu33Gln (NM_004662.2); short protein forms E33Q, E3721Q.
Identifiers: ClinVar variation 2630952 (VCV002630952.1), dbSNP rs138741660, ClinGen allele CA398200250.